The following is an entry in ClinVar:

ClinVar aggregate classification (germline): Likely benign. Review status: criteria provided, multiple submitters, no conflicts (2 of 4 stars). 2 submissions from 2 submitters: Likely benign (2). Last evaluated 2018-06-17.

Allele frequency attached by ClinVar (database versions not stated): 1000 Genomes Project 0.00140; 1000 Genomes Project 30x 0.00172; TOPMed 0.00350; gnomAD 0.00422 and 0.00450; gnomAD exomes 0.00469.
gnomAD v4.1: 2,226 of 488,580 alleles (0.46%); highest among the groups gnomAD compares: Non-Finnish European, 0.65%; 7 homozygotes.

Submissions (2):

GeneDx
Classification: Likely benign. Last evaluated: 2018-06-17. Review status: criteria provided, single submitter. Criteria: GeneDx Variant Classification (06012015). Collection method: clinical testing. Allele origin: germline. Affected: yes.
Comment: This variant is considered likely benign or benign based on one or more of the following criteria: it is a conservative change, it occurs at a poorly conserved position in the protein, it is predicted to be benign by multiple in silico algorithms, and/or has population frequency not consistent with disease.

Breakthrough Genomics
Classification: Likely benign. Review status: criteria provided, single submitter. Criteria: ACMG Guidelines, 2015. Collection method: not provided. Allele origin: germline. Inheritance: Autosomal dominant inheritance. Affected: yes.

NM_000548.5(TSC2):c.599+241G>T

Gene: TSC2 (TSC complex subunit 2; plus strand). Cytogenetic location: 16p13.3.
Variant type: single nucleotide variant.
Coding change: c.599+241G>T on transcript NM_000548.5 (MANE Select); 241 bases into the intron after coding-DNA position 599, G replaced by T.
Molecular consequence: intron variant.
Genome position (GRCh38, 1-based): chr16:2,055,760, G>T. VCF-style: chr16-2055760-G-T. GRCh37 (hg19) VCF-style: chr16-2105761-G-T.
Other names: c.599+241G>T (NM_001114382.3, NM_021055.3, NM_001370405.1 and 3 more transcripts); c.488+241G>T (NM_001318827.2); c.-1-436G>T (NM_001318831.2); c.452+241G>T (NM_001318829.2); c.632+241G>T (NM_001318832.2).
Identifiers: ClinVar variation 677865 (VCV000677865.2), dbSNP rs534820975, ClinGen allele CA276772299.
Genomic context (GRCh38, chr16:2,055,760, plus strand): 5'-GGCCAACATGGTGAAACCCTGTCTCTACTAAAAATACAAAAATTAGCCGGGCATGGTGGT[G>T]GGAGCCTGTAATCCCAGCTACTCAGGAGGCTGAGGCAGGAGAATTGCTTGAAACCGGAAG-3'